The following is an entry in ClinVar:

NM_000038.6(APC):c.3326G>A (p.Gly1109Asp)

Gene: APC (APC regulator of Wnt signaling pathway; plus strand). Cytogenetic location: 5q22.2.
Variant type: single nucleotide variant.
Coding change: c.3326G>A on transcript NM_000038.6 (MANE Select); coding-DNA position 3326, G replaced by A.
Protein change: p.Gly1109Asp; replaces glycine 1109 with aspartic acid.
Molecular consequence: missense variant.
Genome position (GRCh38, 1-based): chr5:112,838,920, G>A. VCF-style: chr5-112838920-G-A. GRCh37 (hg19) VCF-style: chr5-112174617-G-A.
Other names: c.3326G>A, p.Gly1109Asp (NM_001127510.3, NM_001354895.2, NM_001407450.1); c.3272G>A, p.Gly1091Asp (NM_001127511.3); c.3380G>A, p.Gly1127Asp (NM_001354896.2, NM_001407447.1, NM_001407448.1 and 1 more transcripts); c.3356G>A, p.Gly1119Asp (NM_001354897.2); c.3251G>A, p.Gly1084Asp (NM_001354898.2); c.3242G>A, p.Gly1081Asp (NM_001354899.2); c.3203G>A, p.Gly1068Asp (NM_001354900.2); c.3149G>A, p.Gly1050Asp (NM_001354901.2, NM_001407453.1); and 11 more; short protein forms G1081D, G1102D, G1119D, G725D, G826D, G1018D, G1127D, G980D.
Identifiers: ClinVar variation 1730250 (VCV001730250.2), dbSNP rs530923279, ClinGen allele CA035052.
Genomic context (GRCh38, chr5:112,838,920, plus strand): 5'-TCCAACCACATTTTGGACAGCAGGAATGTGTTTCTCCATACAGGTCACGGGGAGCCAATG[G>A]TTCAGAAACAAATCGAGTGGGTTCTAATCATGGAATTAATCAAAATGTAAGCCAGTCTTT-3'
Protein context (NP_000029.2, residues 1099-1119): VSPYRSRGAN[Gly1109Asp]SETNRVGSNH

ClinVar aggregate classification (germline): Uncertain significance (1 of 4 stars; one submission).

Conditions:
Hereditary cancer-predisposing syndrome. Also called: Neoplastic Syndromes, Hereditary; Tumor predisposition; Hereditary Cancer Syndrome; Hereditary neoplastic syndrome. Identifiers: Orphanet 140162, MedGen C0027672, MeSH D009386, MONDO:0015356.

Allele frequency attached by ClinVar (database versions not stated): gnomAD exomes below 0.00001; ExAC 0.00001; gnomAD 0.00001; 1000 Genomes Project 30x 0.00016; 1000 Genomes Project 0.00020.
gnomAD v4.1: 3 of 1,614,070 alleles (0.00019%); highest among the groups gnomAD compares: South Asian, 0.0033%; no homozygotes.

Submission:

Ambry Genetics
Classification: Uncertain significance for Hereditary cancer-predisposing syndrome. Last evaluated: 2022-05-07. Review status: criteria provided, single submitter. Criteria: Ambry Variant Classification Scheme 2023. Collection method: clinical testing. Allele origin: germline.
Comment: The p.G1109D variant (also known as c.3326G>A), located in coding exon 15 of the APC gene, results from a G to A substitution at nucleotide position 3326. The glycine at codon 1109 is replaced by aspartic acid, an amino acid with similar properties. This amino acid position is conserved. In addition, in silico predictors for this gene do not accurately predict pathogenicity. Since supporting evidence is limited at this time, the clinical significance of this alteration remains unclear.